The following is an entry in ClinVar:

ClinVar aggregate classification (germline): Benign/Likely benign. Review status: criteria provided, multiple submitters, no conflicts (2 of 4 stars). 9 submissions from 9 submitters: Benign (7); Likely benign (2). Last evaluated 2026-07-01.

Conditions:
SLC6A8-related disorder. Also called: SLC6A8-related condition.
Isolated cerebellar hypoplasia/agenesis (CHEGDD). Also called: Cerebellar hypoplasia/atrophy, epilepsy, and global developmental delay. Identifiers: Orphanet 1398, Orphanet 2246, MedGen C5231391, MONDO:0008939, OMIM 213000.
Creatine transporter deficiency (CCDS1). Also called: Mental retardation , X-linked with seizures, short stature and midface hypoplasia; Mental retardation , X-linked, with creatine transport deficiency; X-linked creatine transporter deficiency; X-linked creatine deficiency syndrome; SLC6A8-Related Creatine Transporter Deficiency; CREATINE TRANSPORTER DEFECT. Identifiers: Orphanet 52503, MedGen C1845862, MONDO:0010305, OMIM 300352.
Inborn genetic diseases. Identifiers: MedGen C0950123, MeSH D030342.

Allele frequency attached by ClinVar (database versions not stated): gnomAD 0.00024 and 0.00046; ESP Exome Variant Server 0.00028; TOPMed 0.00032; gnomAD exomes 0.00160; ExAC 0.00167; 1000 Genomes Project 30x 0.00187; 1000 Genomes Project 0.00238.
gnomAD v4.1: 1,071 of 1,209,092 alleles (0.089%); highest among the groups gnomAD compares: South Asian, 1.2%; 6 homozygotes.

Submissions (9):

PreventionGenetics, part of Exact Sciences
Classification: Benign for SLC6A8-related condition. Last evaluated: 2026-07-01. Review status: criteria provided, single submitter. Criteria: ACMG Guidelines, 2015. Collection method: clinical testing. Allele origin: germline.
Comment: This variant is classified as benign based on ACMG/AMP sequence variant interpretation guidelines (Richards et al. 2015 PMID: 25741868, with internal and published modifications).

Labcorp Genetics (formerly Invitae), Labcorp
Classification: Benign for Creatine transporter deficiency. Last evaluated: 2026-01-28. Review status: criteria provided, single submitter. Criteria: Invitae Variant Classification Sherloc (09022015). Collection method: clinical testing. Allele origin: germline.

Blueprint Genetics
Classification: Likely benign. Last evaluated: 2024-11-21. Review status: criteria provided, single submitter. Criteria: ACMG Guidelines, 2015. Collection method: clinical testing. Allele origin: germline.

Women's Health and Genetics/Laboratory Corporation of America, LabCorp
Classification: Likely benign. Last evaluated: 2022-05-03. Review status: criteria provided, single submitter. Criteria: LabCorp Variant Classification Summary - May 2015. Collection method: clinical testing. Allele origin: germline.

Cambridge Genomics Laboratory, East Genomic Laboratory Hub, NHS Genomic Medicine Service
Classification: Benign for Isolated cerebellar hypoplasia/agenesis. Last evaluated: 2019-08-21. Review status: criteria provided, single submitter. Criteria: ACGS Best Practice Guidelines for Variant Classification in Rare Disease 2020. Collection method: clinical testing. Allele origin: germline. Affected: yes. Observed: 1 variant allele.

Ambry Genetics
Classification: Benign for Inborn genetic diseases. Last evaluated: 2017-01-27. Review status: criteria provided, single submitter. Criteria: Ambry Variant Classification Scheme 2023. Collection method: clinical testing. Allele origin: germline.

GeneDx
Classification: Benign. Last evaluated: 2016-08-15. Review status: criteria provided, single submitter. Criteria: GeneDx Variant Classification (06012015). Collection method: clinical testing. Allele origin: germline. Affected: yes.
Comment: This variant is considered likely benign or benign based on one or more of the following criteria: it is a conservative change, it occurs at a poorly conserved position in the protein, it is predicted to be benign by multiple in silico algorithms, and/or has population frequency not consistent with disease.

Breakthrough Genomics
Classification: Benign. Review status: criteria provided, single submitter. Criteria: ACMG Guidelines, 2015. Collection method: not provided. Allele origin: germline. Inheritance: X-linked inheritance. Affected: yes.

Broad Center for Mendelian Genomics, Broad Institute of MIT and Harvard
Classification: Benign for Creatine transporter deficiency. Review status: criteria provided, single submitter. Criteria: ACMG Guidelines, 2015. Collection method: research. Allele origin: germline. Inheritance: X-linked inheritance. Affected: yes.
Comment: The p.Met560Val variant in SLC6A8 has been identified in at least 1 individual with creatine deficiency (PMID: 20717164), but has also been identified in >1% of South Asian chromosomes, 88 hemizygotes, and 1 homozygote by ExAC. In summary, this variant meets criteria to be classified as benign for X-linked recessive creatine deficiency.

Literature cited by the submitters: PubMed 20717164 (cited by Broad Center for Mendelian Genomics, Broad Institute of MIT and Harvard); PubMed 16738945 (cited by Broad Center for Mendelian Genomics, Broad Institute of MIT and Harvard); PubMed 15154114 (cited by Broad Center for Mendelian Genomics, Broad Institute of MIT and Harvard); PubMed 17465020 (cited by Broad Center for Mendelian Genomics, Broad Institute of MIT and Harvard).

NM_005629.4(SLC6A8):c.1678A>G (p.Met560Val)

Gene: SLC6A8 (solute carrier family 6 member 8; plus strand). Cytogenetic location: Xq28.
Variant type: single nucleotide variant.
Coding change: c.1678A>G on transcript NM_005629.4 (MANE Select); coding-DNA position 1678, A replaced by G.
Protein change: p.Met560Val; replaces methionine 560 with valine.
Molecular consequence: missense variant.
Genome position (GRCh38, 1-based): chrX:153,694,800, A>G. VCF-style: chrX-153694800-A-G. GRCh37 (hg19) VCF-style: chrX-152960255-A-G.
Other names: c.1648A>G, p.Met550Val (NM_001142805.2); c.1333A>G, p.Met445Val (NM_001142806.1); short protein forms M560V, M550V, M445V.
Identifiers: ClinVar variation 378616 (VCV000378616.21), dbSNP rs145438966, ClinGen allele CA10549617.
Genomic context (GRCh38, chrX:153,694,800, plus strand): 5'-GTGTACTACGAGCCGCTGGTCTACAACAACACCTACGTGTACCCGTGGTGGGGTGAGGCC[A>G]TGGGCTGGGCCTTCGCCCTGTCCTCCATGCTGTGCGTGCCGCTGCACCTCCTGGGCTGCC-3'
Protein context (NP_005620.1, residues 550-570): TYVYPWWGEA[Met560Val]GWAFALSSML